The following is an entry in ClinVar:

ClinVar aggregate classification (germline): Uncertain significance (1 of 4 stars; one submission).

Submission:

GeneDx
Classification: Uncertain significance. Last evaluated: 2019-12-26. Review status: criteria provided, single submitter. Criteria: GeneDx Variant Classification Process June 2021. Collection method: clinical testing. Allele origin: germline. Affected: yes.
Comment: Not observed in large population cohorts (Lek et al., 2016); Has not been previously published as pathogenic or benign to our knowledge; In-silico analysis, which includes splice predictors and evolutionary conservation, is inconclusive as to whether the variant alters gene splicing. In the absence of RNA/functional studies, the actual effect of this sequence change is unknown.

NM_001134673.4(NFIA):c.1255-8_1255-6delinsGCCT

Gene: NFIA (nuclear factor I A; plus strand). Cytogenetic location: 1p31.3.
Variant type: Indel.
Coding change: c.1255-8_1255-6delinsGCCT on transcript NM_001134673.4 (MANE Select); 8 bases into the intron before coding-DNA position 1255 through 6 bases into the intron before coding-DNA position 1255, CCC replaced by GCCT.
Molecular consequence: intron variant.
Genome position (GRCh38, 1-based): chr1:61,406,554-61,406,556, CCC replaced by GCCT. VCF-style: chr1-61406554-CCC-GCCT. GRCh37 (hg19) VCF-style: chr1-61872226-CCC-GCCT.
Other names: c.1231-8_1231-6delinsGCCT (NM_001145511.2); c.1390-8_1390-6delinsGCCT (NM_001145512.2); c.1255-8_1255-6delinsGCCT (NM_005595.5).
Identifiers: ClinVar variation 1311427 (VCV001311427.2), dbSNP rs796305175, ClinGen allele CA2573051606.